The following is an entry in ClinVar:

ClinVar aggregate classification (germline): Benign. Review status: criteria provided, multiple submitters, no conflicts (2 of 4 stars). 3 submissions from 3 submitters: Benign (3). Last evaluated 2018-01-13.

Conditions:
Pancreatic cancer, susceptibility to, 1. Identifiers: Orphanet 1333, MedGen C1847351, MONDO:0011739, OMIM 606856.

Allele frequency attached by ClinVar (database versions not stated): TOPMed 0.50693; gnomAD 0.51499; 1000 Genomes Project 30x 0.55356; 1000 Genomes Project 0.56809; gnomAD exomes 0.66878.
gnomAD v4.1: 101,558 of 183,792 alleles (55%); highest among the groups gnomAD compares: East Asian, 88%; 32,168 homozygotes.

Submissions (3):

Illumina Laboratory Services, Illumina
Classification: Benign for Pancreatic cancer, susceptibility to, 1. Last evaluated: 2018-01-13. Review status: criteria provided, single submitter. Criteria: ICSL Variant Classification Criteria 13 December 2019. Collection method: clinical testing. Allele origin: germline.
Comment: This variant was observed in the ICSL laboratory as part of a predisposition screen in an ostensibly healthy population. It had not been previously curated by ICSL or reported in the Human Gene Mutation Database (HGMD: prior to June 1st, 2018), and was therefore a candidate for classification through an automated scoring system. Utilizing variant allele frequency, disease prevalence and penetrance estimates, and inheritance mode, an automated score was calculated to assess if this variant is too frequent to cause the disease. Based on the score and internal cut-off values, a variant classified as benign is not then subjected to further curation. The score for this variant resulted in a classification of benign for this disease.

GeneDx
Classification: Benign. Last evaluated: 2015-03-03. Review status: criteria provided, single submitter. Criteria: GeneDx Variant Classification Process June 2021. Collection method: clinical testing. Allele origin: germline. Affected: yes.

Breakthrough Genomics
Classification: Benign. Review status: criteria provided, single submitter. Criteria: ACMG Guidelines, 2015. Collection method: not provided. Allele origin: germline. Inheritance: Autosomal dominant inheritance. Affected: yes.

NM_001166108.2(PALLD):c.*2058C>G

Genes: CBR4 (carbonyl reductase 4; minus strand), PALLD (palladin, cytoskeletal associated protein; plus strand). Cytogenetic location: 4q32.3.
Variant type: single nucleotide variant.
Coding change: c.*2058C>G on transcript NM_001166108.2 (MANE Select); 2058 bases downstream of the stop codon, C replaced by G.
Molecular consequence: 3 prime UTR variant.
Genome position (GRCh38, 1-based): chr4:168,928,238, C>G. VCF-style: chr4-168928238-C-G. GRCh37 (hg19) VCF-style: chr4-169849389-C-G.
Other names: c.*1853C>G (NM_001166109.2, NM_001166110.2, NM_001367568.1 and 1 more transcripts); c.*2058C>G (NM_001367567.1, NM_001367570.1, NM_016081.4).
Identifiers: ClinVar variation 348069 (VCV000348069.9), dbSNP rs1071738, ClinGen allele CA10620429.